The following is an entry in ClinVar:

ClinVar aggregate classification (germline): Uncertain significance (1 of 4 stars; one submission).

Conditions:
Early-infantile DEE. Also called: Ohtahara syndrome; Early infantile epileptic encephalopathy with suppression bursts; Early infantile epileptic encephalopathy. Identifiers: Orphanet 1934, MedGen C0393706, MONDO:0800491.

Submission:

Labcorp Genetics (formerly Invitae), Labcorp
Classification: Uncertain significance for Early-infantile DEE. Last evaluated: 2019-12-20. Review status: criteria provided, single submitter. Criteria: Invitae Variant Classification Sherloc (09022015). Collection method: clinical testing. Allele origin: germline.
Comment: In summary, the available evidence is currently insufficient to determine the role of this variant in disease. Therefore, it has been classified as a Variant of Uncertain Significance. Algorithms developed to predict the effect of missense changes on protein structure and function are either unavailable or do not agree on the potential impact of this missense change (SIFT: "Deleterious"; PolyPhen-2: "Benign"; Align-GVGD: "Class C55"). This variant has not been reported in the literature in individuals with SPTAN1-related conditions. This variant is not present in population databases (ExAC no frequency). This sequence change replaces alanine with threonine at codon 1714 of the SPTAN1 protein (p.Ala1714Thr). The alanine residue is highly conserved and there is a small physicochemical difference between alanine and threonine.

NM_001130438.3(SPTAN1):c.5140G>A (p.Ala1714Thr)

Gene: SPTAN1 (spectrin alpha, non-erythrocytic 1; plus strand). Cytogenetic location: 9q34.11.
Variant type: single nucleotide variant.
Coding change: c.5140G>A on transcript NM_001130438.3 (MANE Select); coding-DNA position 5140, G replaced by A.
Protein change: p.Ala1714Thr; replaces alanine 1714 with threonine.
Molecular consequence: missense variant.
Genome position (GRCh38, 1-based): chr9:128,613,477, G>A. VCF-style: chr9-128613477-G-A. GRCh37 (hg19) VCF-style: chr9-131375756-G-A.
Other names: c.5065G>A, p.Ala1689Thr (NM_001195532.2); c.5140G>A, p.Ala1714Thr (NM_001363759.2, NM_001375310.1, NM_001375311.2 and 1 more transcripts); c.5080G>A, p.Ala1694Thr (NM_001363765.2, NM_001375314.2); c.5176G>A, p.Ala1726Thr (NM_001375312.2, NM_001375318.1); c.5125G>A, p.Ala1709Thr (NM_003127.4); short protein forms A1709T, A1726T, A1714T, A1689T, A1694T.
Identifiers: ClinVar variation 856520 (VCV000856520.10), dbSNP rs1856789445, ClinGen allele CA375072998.